The following is an entry in ClinVar:

NM_000256.3(MYBPC3):c.216C>A (p.Gly72=)

Gene: MYBPC3 (myosin binding protein C3; minus strand). Cytogenetic location: 11p11.2.
Variant type: single nucleotide variant.
Coding change: c.216C>A on transcript NM_000256.3 (MANE Select); coding-DNA position 216, C replaced by A.
Protein change: p.Gly72=; no amino-acid change (glycine 72 retained).
Molecular consequence: synonymous variant.
Genome position (GRCh38, 1-based): chr11:47,351,315, G>T on the plus strand (C>A on the coding strand, the complement: MYBPC3 is on the minus strand). VCF-style: chr11-47351315-G-T. GRCh37 (hg19) VCF-style: chr11-47372866-G-T.
Identifiers: ClinVar variation 227566 (VCV000227566.18), dbSNP rs760007714, ClinGen allele CA048590.

ClinVar aggregate classification (germline): Likely benign. Review status: criteria provided, multiple submitters, no conflicts (2 of 4 stars). 8 submissions from 8 submitters: Likely benign (8). Last evaluated 2024-02-21.

Conditions:
Cardiomyopathy (CMYO). Also called: Cardiomyopathies. Identifiers: Orphanet 167848, MedGen C0878544, MONDO:0004994, HP:0001638. Inheritance: Various modes of inheritance.
Cardiovascular phenotype. Identifiers: MedGen CN230736.
Hypertrophic cardiomyopathy. Also called: HYPERTROPHIC MYOCARDIOPATHY. Identifiers: Orphanet 217569, MedGen C0007194, MeSH D002312, MONDO:0005045, HP:0001639.

Allele frequency attached by ClinVar (database versions not stated): gnomAD 0.00001.
gnomAD v4.1: 10 of 1,583,592 alleles (0.00063%); highest among the groups gnomAD compares: Non-Finnish European, 0.00086%; no homozygotes.

Submissions (8):

Labcorp Genetics (formerly Invitae), Labcorp
Classification: Likely benign for Hypertrophic cardiomyopathy. Last evaluated: 2024-02-21. Review status: criteria provided, single submitter. Criteria: Invitae Variant Classification Sherloc (09022015). Collection method: clinical testing. Allele origin: germline.

All of Us Research Program, National Institutes of Health
Classification: Likely benign for Hypertrophic cardiomyopathy. Last evaluated: 2023-11-02. Review status: criteria provided, single submitter. Criteria: ACMG Guidelines, 2015. Collection method: clinical testing. Allele origin: germline. Inheritance: Autosomal dominant inheritance. Observed: 4 variant alleles, 4 heterozygotes.
Comment: This study involves interpretation of variants in research participants for the purpose of population health screening. Participant phenotype was not available at the time of variant classification. Additional details can be found in publication PMID: 35346344, PMCID: PMC8962531

Ambry Genetics
Classification: Likely benign for Cardiovascular phenotype. Last evaluated: 2023-11-02. Review status: criteria provided, single submitter. Criteria: Ambry Variant Classification Scheme 2023. Collection method: clinical testing. Allele origin: germline.

Blueprint Genetics
Classification: Likely benign. Last evaluated: 2022-12-02. Review status: criteria provided, single submitter. Criteria: ACMG Guidelines, 2015. Collection method: clinical testing. Allele origin: germline.

Molecular Diagnostic Laboratory for Inherited Cardiovascular Disease, Montreal Heart Institute
Classification: Likely benign. Last evaluated: 2020-01-14. Review status: criteria provided, single submitter. Criteria: ACMG Guidelines, 2015. Collection method: clinical testing. Allele origin: germline. Affected: yes.

Color Diagnostics, LLC DBA Color Health
Classification: Likely benign for Cardiomyopathy. Last evaluated: 2019-09-30. Review status: criteria provided, single submitter. Criteria: ACMG Guidelines, 2015. Collection method: clinical testing. Allele origin: germline.

GeneDx
Classification: Likely benign. Last evaluated: 2016-12-09. Review status: criteria provided, single submitter. Criteria: GeneDx Variant Classification (06012015). Collection method: clinical testing. Allele origin: germline. Affected: yes.
Comment: This variant is considered likely benign or benign based on one or more of the following criteria: it is a conservative change, it occurs at a poorly conserved position in the protein, it is predicted to be benign by multiple in silico algorithms, and/or has population frequency not consistent with disease.

Laboratory for Molecular Medicine, Mass General Brigham Personalized Medicine
Classification: Likely benign. Last evaluated: 2015-10-01. Review status: criteria provided, single submitter. Criteria: LMM Criteria. Collection method: clinical testing. Allele origin: germline. Observed: 1 variant allele.
Comment: p.Gly72Gly in exon 2 of MYBPC3: This variant is not expected to have clinical si gnificance because it does not alter an amino acid residue and is not located wi thin the splice consensus sequence. It has been identified in 1/18968 European c hromosomes by the Exome Aggregation Consortium (ExAC .org; dbSNP rs760007714).